The following is an entry in ClinVar:

NM_020922.5(WNK3):c.2235G>C (p.Gln745His)

Gene: WNK3 (WNK lysine deficient protein kinase 3; minus strand). Cytogenetic location: Xp11.22.
Variant type: single nucleotide variant.
Coding change: c.2235G>C on transcript NM_020922.5 (MANE Select); coding-DNA position 2235, G replaced by C.
Protein change: p.Gln745His; replaces glutamine 745 with histidine.
Molecular consequence: missense variant.
Genome position (GRCh38, 1-based): chrX:54,255,755, C>G on the plus strand (G>C on the coding strand, the complement: WNK3 is on the minus strand). VCF-style: chrX-54255755-C-G. GRCh37 (hg19) VCF-style: chrX-54282188-C-G.
Other names: c.2235G>C, p.Gln745His (NM_001002838.4, NM_001395166.1); short protein forms Q745H.
Identifiers: ClinVar variation 4088206 (VCV004088206.1).

ClinVar aggregate classification (germline): Uncertain significance (1 of 4 stars; one submission).

gnomAD v4.1: 1 of 1,207,831 alleles (0.000083%); highest among the groups gnomAD compares: Non-Finnish European, 0.00011%; no homozygotes.

Submission:

GeneDx
Classification: Uncertain significance. Last evaluated: 2025-03-19. Review status: criteria provided, single submitter. Criteria: GeneDx Variant Classification Process June 2021. Collection method: clinical testing. Allele origin: germline. Affected: yes.
Comment: Not observed at significant frequency in large population cohorts (gnomAD); In silico analysis supports that this missense variant has a deleterious effect on protein structure/function; Has not been previously published as pathogenic or benign to our knowledge